The following is an entry in ClinVar:

ClinVar aggregate classification (germline): Conflicting classifications of pathogenicity. Review status: criteria provided, conflicting classifications (1 of 4 stars). 3 submissions from 3 submitters: Uncertain significance (1); Likely benign (2). Last evaluated 2025-12-13.

Conditions:
Autosomal dominant nonsyndromic hearing loss 4A. Also called: Deafness, autosomal dominant 4A. Identifiers: Orphanet 90635, MedGen C1833503, MONDO:0010915, OMIM 600652.

Allele frequency attached by ClinVar (database versions not stated): gnomAD exomes 0.00013; gnomAD 0.00015; ExAC 0.00018; ESP Exome Variant Server 0.00024; TOPMed 0.00027.
gnomAD v4.1: 278 of 1,611,540 alleles (0.017%); highest among the groups gnomAD compares: Non-Finnish European, 0.021%; no homozygotes.

Submissions (3):

Labcorp Genetics (formerly Invitae), Labcorp
Classification: Likely benign. Last evaluated: 2025-12-13. Review status: criteria provided, single submitter. Criteria: Invitae Variant Classification Sherloc (09022015). Collection method: clinical testing. Allele origin: germline.

Illumina Laboratory Services, Illumina
Classification: Uncertain significance for Autosomal dominant nonsyndromic hearing loss 4A. Last evaluated: 2018-01-13. Review status: criteria provided, single submitter. Criteria: ICSL Variant Classification Criteria 13 December 2019. Collection method: clinical testing. Allele origin: germline.

Laboratory for Molecular Medicine, Mass General Brigham Personalized Medicine
Classification: Likely benign. Last evaluated: 2017-06-06. Review status: criteria provided, single submitter. Criteria: LMM Criteria. Collection method: clinical testing. Allele origin: germline. Observed: 1 variant allele.
Comment: 1210+12G>A in Intron 11 of MYH14: This variant is not expected to have clinical significance because it is not located within the conserved splice consensus seq uence. It has been identified in 34/122731 European chromosomes by the Genome A ggregation Database (gnomAD; dbSNP rs367560074 ).

NM_001145809.2(MYH14):c.1210+12G>A

Gene: MYH14 (myosin heavy chain 14; plus strand). Cytogenetic location: 19q13.33.
Variant type: single nucleotide variant.
Coding change: c.1210+12G>A on transcript NM_001145809.2 (MANE Select); 12 bases into the intron after coding-DNA position 1210, G replaced by A.
Molecular consequence: intron variant.
Genome position (GRCh38, 1-based): chr19:50,244,349, G>A. VCF-style: chr19-50244349-G-A. GRCh37 (hg19) VCF-style: chr19-50747606-G-A.
Other names: c.1210+12G>A (NM_001077186.2); c.1186+12G>A (NM_024729.4).
Identifiers: ClinVar variation 504616 (VCV000504616.12), dbSNP rs367560074, ClinGen allele CA9592547.